The following is an entry in ClinVar:

NM_000166.6(GJB1):c.46C>G (p.His16Asp)

Gene: GJB1 (gap junction protein beta 1; plus strand). Cytogenetic location: Xq13.1.
Variant type: single nucleotide variant.
Coding change: c.46C>G on transcript NM_000166.6 (MANE Select); coding-DNA position 46, C replaced by G.
Protein change: p.His16Asp; replaces histidine 16 with aspartic acid.
Molecular consequence: missense variant.
Genome position (GRCh38, 1-based): chrX:71,223,753, C>G. VCF-style: chrX-71223753-C-G. GRCh37 (hg19) VCF-style: chrX-70443603-C-G.
Other names: c.46C>G, p.His16Asp (NM_001097642.3); c.46C>G (NM_000166.5); short protein forms H16D.
Identifiers: ClinVar variation 1180789 (VCV001180789.2), dbSNP rs2147944895, ClinGen allele CA413499532.

ClinVar aggregate classification (germline): Pathogenic/Likely pathogenic. Review status: criteria provided, multiple submitters, no conflicts (2 of 4 stars). 2 submissions from 2 submitters: Pathogenic (1); Likely pathogenic (1). Last evaluated 2024-08-22.

Conditions:
Peripheral neuropathy. Also called: Neuropathy. Identifiers: MedGen C0031117, MONDO:0005244, HP:0009830.

Submissions (2):

GeneDx
Classification: Likely pathogenic. Last evaluated: 2024-08-22. Review status: criteria provided, single submitter. Criteria: GeneDx Variant Classification Process June 2021. Collection method: clinical testing. Allele origin: germline. Affected: yes.
Comment: Missense variants in this gene are a common cause of disease and they are underrepresented in the general population; Not observed at significant frequency in large population cohorts (gnomAD); In silico analysis supports that this missense variant has a deleterious effect on protein structure/function; This variant is associated with the following publications: (PMID: 38374194)

Kariminejad - Najmabadi Pathology & Genetics Center
Classification: Pathogenic for Peripheral neuropathy. Last evaluated: 2021-07-10. Review status: criteria provided, single submitter. Criteria: ACMG Guidelines, 2015. Collection method: clinical testing. Allele origin: germline. Affected: yes.